The following is an entry in ClinVar:

NM_002474.3(MYH11):c.5171+2T>C

Genes: MYH11 (myosin heavy chain 11; minus strand), NDE1 (nudE neurodevelopment protein 1; plus strand). Cytogenetic location: 16p13.11.
Variant type: single nucleotide variant.
Coding change: c.5171+2T>C on transcript NM_002474.3 (MANE Select); the canonical splice donor site of the intron after coding-DNA position 5171, T replaced by C.
Molecular consequence: splice donor variant. On other transcripts: intron variant (2).
Genome position (GRCh38, 1-based): chr16:15,719,218, A>G on the plus strand (T>C on the coding strand, the complement: MYH11 is on the minus strand). VCF-style: chr16-15719218-A-G. GRCh37 (hg19) VCF-style: chr16-15813075-A-G.
Other names: c.948-4973A>G (NM_001143979.2, NM_017668.3); c.5171+2T>C (NM_022844.3); c.5192+2T>C (NM_001040114.2, NM_001040113.2).
Identifiers: ClinVar variation 2087506 (VCV002087506.4), dbSNP rs2506103419, ClinGen allele CA394850652.

ClinVar aggregate classification (germline): Likely pathogenic (1 of 4 stars; one submission).

Conditions:
Aortic aneurysm, familial thoracic 4 (AAT4). Also called: AORTIC ANEURYSM/AORTIC DISSECTION AND PATENT DUCTUS ARTERIOSUS. Identifiers: MedGen C1851504, MONDO:0007568, OMIM 132900.

Submission:

Labcorp Genetics (formerly Invitae), Labcorp
Classification: Likely pathogenic for Aortic aneurysm, familial thoracic 4. Last evaluated: 2024-05-19. Review status: criteria provided, single submitter. Criteria: Invitae Variant Classification Sherloc (09022015). Collection method: clinical testing. Allele origin: germline.
Comment: This sequence change affects a donor splice site in intron 37 of the MYH11 gene. It is expected to disrupt RNA splicing. Variants that disrupt the donor or acceptor splice site typically lead to a loss of protein function (PMID: 16199547), and loss-of-function variants in MYH11 are known to be pathogenic (PMID: 25407000, 29575632). This variant is not present in population databases (gnomAD no frequency). This variant has not been reported in the literature in individuals affected with MYH11-related conditions. ClinVar contains an entry for this variant (Variation ID: 2087506). Algorithms developed to predict the effect of sequence changes on RNA splicing suggest that this variant may disrupt the consensus splice site. In summary, the currently available evidence indicates that the variant is pathogenic, but additional data are needed to prove that conclusively. Therefore, this variant has been classified as Likely Pathogenic.

Literature cited by the submitters: PubMed 16199547; PubMed 25407000; PubMed 29575632.